The following is an entry in ClinVar:

ClinVar aggregate classification (germline): Likely benign (0 of 4 stars; one submission).

Conditions:
GATA4-related disorder. Also called: GATA4-related condition. Identifiers: MedGen CN860321.

gnomAD v4.1: 10 of 989,296 alleles (0.001%); highest among the groups gnomAD compares: Admixed American, 0.014%; no homozygotes.

Submission:

PreventionGenetics, part of Exact Sciences
Classification: Likely benign for GATA4-related condition. Last evaluated: 2024-08-08. Review status: no assertion criteria provided. Collection method: clinical testing. Allele origin: germline.
Comment: This variant is classified as likely benign based on ACMG/AMP sequence variant interpretation guidelines (Richards et al. 2015 PMID: 25741868, with internal and published modifications).

NM_001308093.3(GATA4):c.1150-117C>T

Gene: GATA4 (GATA binding protein 4). Cytogenetic location: 8p23.1.
Variant type: single nucleotide variant.
Coding change: c.1150-117C>T on transcript NM_001308093.3 (MANE Select); 117 bases into the intron before coding-DNA position 1150, C replaced by T.
Molecular consequence: intron variant.
Genome position (GRCh38, 1-based): chr8:11,758,176, C>T. VCF-style: chr8-11758176-C-T. GRCh37 (hg19) VCF-style: chr8-11615685-C-T.
Other names: c.529-117C>T (NM_001308094.2, NM_001374273.1); c.1147-117C>T (NM_002052.5); c.403-117C>T (NM_001374274.1).
Identifiers: ClinVar variation 3358060 (VCV003358060.1).
Genomic context (GRCh38, chr8:11,758,176, plus strand): 5'-CCTTCATGCCTAGATCACCGGGATCAGGAGAAACAGAGAGAAGTGCTCCTTGGTCCCTTC[C>T]TGAGGGCTGAAGCCATCCTGGGGACATCTGCATAGCAGGGCACCCTCCCCAGCCTAGACC-3'